The following is an entry in ClinVar:

NM_000435.3(NOTCH3):c.2557T>C (p.Cys853Arg)

Gene: NOTCH3 (notch receptor 3; minus strand). Cytogenetic location: 19p13.12.
Variant type: single nucleotide variant.
Coding change: c.2557T>C on transcript NM_000435.3 (MANE Select); coding-DNA position 2557, T replaced by C.
Protein change: p.Cys853Arg; replaces cysteine 853 with arginine.
Molecular consequence: missense variant.
Genome position (GRCh38, 1-based): chr19:15,184,304, A>G on the plus strand (T>C on the coding strand, the complement: NOTCH3 is on the minus strand). VCF-style: chr19-15184304-A-G. GRCh37 (hg19) VCF-style: chr19-15295115-A-G.
Other names: p.Cys853Arg; short protein forms C853R.
Identifiers: ClinVar variation 591191 (VCV000591191.2), dbSNP rs1568357588, ClinGen allele CA404518993.
Genomic context (GRCh38, chr19:15,184,304, plus strand): 5'-TAATGACTGTGTTCCCCAGAGCAGCACCCCCAAGAGCTCCCCTGCACTCACTGGGGTCAC[A>G]GTCATTGATGTCCTGATCGCAGGAAGGGCCAGTGTACCCTCCATGGCAGGTGCAGCTGAA-3'
Protein context (NP_000426.2, residues 843-863): GPSCDQDIND[Cys853Arg]DPNPCLNGGS

ClinVar aggregate classification (germline): Likely pathogenic. Review status: criteria provided, single submitter (1 of 4 stars). 2 submissions from 2 submitters: Likely pathogenic (1). 1 of the submissions does not count toward it. Last evaluated 2025-07-01.

Allele frequency attached by ClinVar (database versions not stated): gnomAD exomes below 0.00001.
gnomAD v4.1: 1 of 1,613,934 alleles (0.000062%); no homozygotes.

Submissions (2):

Mayo Clinic Laboratories, Mayo Clinic
Classification: Likely pathogenic. Last evaluated: 2025-07-01. Review status: criteria provided, single submitter. Criteria: ACMG Guidelines, 2015. Collection method: clinical testing. Allele origin: germline. Observed: 1 variant allele.
Comment: PP2, PP3_moderate, PM1, PM2_supporting

Gharavi Laboratory, Columbia University
Classification: Uncertain significance. Last evaluated: 2018-09-16. Review status: no assertion criteria provided. Criteria: ACMG Guidelines, 2015. Collection method: research. Allele origin: germline. Affected: yes. Not counted in ClinVar's aggregate classification.